The following is an entry in ClinVar:

ClinVar aggregate classification (germline): Pathogenic (1 of 4 stars; one submission).

Conditions:
Alstrom syndrome (ALMS). Identifiers: Orphanet 64, MedGen C0268425, MONDO:0008763, OMIM 203800.

Submission:

Labcorp Genetics (formerly Invitae), Labcorp
Classification: Pathogenic for Alstrom syndrome. Last evaluated: 2025-07-30. Review status: criteria provided, single submitter. Criteria: Invitae Variant Classification Sherloc (09022015). Collection method: clinical testing. Allele origin: germline.
Comment: This sequence change creates a premature translational stop signal (p.Arg293Valfs*11) in the ALMS1 gene. It is expected to result in an absent or disrupted protein product. Loss-of-function variants in ALMS1 are known to be pathogenic (PMID: 17594715). This variant is not present in population databases (gnomAD no frequency). This variant has not been reported in the literature in individuals affected with ALMS1-related conditions. For these reasons, this variant has been classified as Pathogenic.

Literature cited by the submitters: PubMed 17594715.

NM_001378454.1(ALMS1):c.872_873dup (p.Arg292fs)

Gene: ALMS1 (ALMS1 centrosome and basal body associated protein; plus strand). Cytogenetic location: 2p13.1.
Variant type: Duplication.
Coding change: c.872_873dup on transcript NM_001378454.1 (MANE Select); coding-DNA positions 872 to 873, 2 bases duplicated (GT; older notation c.872_873dupGT).
Protein change: p.Arg292fs; shifts the reading frame from arginine 292.
Molecular consequence: frameshift variant.
Genome position (GRCh38, 1-based): chr2:73,424,537-73,424,538, GT duplicated. VCF-style (leftmost placement, unchanged base first): chr2-73424536-A-AGT. GRCh37 (hg19) VCF-style: chr2-73651664-A-AGT.
Other names: c.875_876dup, p.Arg293fs (NM_015120.4); short protein forms R292fs, R293fs.
Identifiers: ClinVar variation 4724329 (VCV004724329.1).